The following is an entry in ClinVar:

NM_020987.5(ANK3):c.5768T>G (p.Val1923Gly)

Gene: ANK3 (ankyrin 3; minus strand). Cytogenetic location: 10q21.2.
Variant type: single nucleotide variant.
Coding change: c.5768T>G on transcript NM_020987.5 (MANE Select); coding-DNA position 5768, T replaced by G.
Protein change: p.Val1923Gly; replaces valine 1923 with glycine.
Molecular consequence: missense variant. On other transcripts: intron variant (4).
Genome position (GRCh38, 1-based): chr10:60,075,113, A>C on the plus strand (T>G on the coding strand, the complement: ANK3 is on the minus strand). VCF-style: chr10-60075113-A-C. GRCh37 (hg19) VCF-style: chr10-61834871-A-C.
Other names: c.4387+5424T>G (NM_001204403.2); c.4408+5424T>G (NM_001204404.2); c.4405+5424T>G (NM_001320874.2); c.1807+5424T>G (NM_001149.4); c.5768T>G (NM_020987.3); short protein forms V1923G.
Identifiers: ClinVar variation 1506859 (VCV001506859.10), dbSNP rs201428263, ClinGen allele CA5511958.

ClinVar aggregate classification (germline): Uncertain significance. Review status: criteria provided, multiple submitters, no conflicts (2 of 4 stars). 3 submissions from 3 submitters: Uncertain significance (3). Last evaluated 2025-04-20.

Conditions:
Inborn genetic diseases. Identifiers: MedGen C0950123, MeSH D030342.

Allele frequency attached by ClinVar (database versions not stated): gnomAD exomes 0.00001 and 0.00003; ExAC 0.00002; gnomAD 0.00004 and 0.00006; TOPMed 0.00011; 1000 Genomes Project 0.00060; 1000 Genomes Project 30x 0.00078.
gnomAD v4.1: 32 of 1,614,082 alleles (0.002%); highest among the groups gnomAD compares: Admixed American, 0.045%; no homozygotes.

Submissions (3):

Ambry Genetics
Classification: Uncertain significance for Inborn genetic diseases. Last evaluated: 2025-04-20. Review status: criteria provided, single submitter. Criteria: Ambry Variant Classification Scheme 2023. Collection method: clinical testing. Allele origin: germline.

Labcorp Genetics (formerly Invitae), Labcorp
Classification: Uncertain significance. Last evaluated: 2024-03-02. Review status: criteria provided, single submitter. Criteria: Invitae Variant Classification Sherloc (09022015). Collection method: clinical testing. Allele origin: germline.
Comment: This sequence change replaces valine, which is neutral and non-polar, with glycine, which is neutral and non-polar, at codon 1923 of the ANK3 protein (p.Val1923Gly). This variant is present in population databases (rs201428263, gnomAD 0.01%). This variant has not been reported in the literature in individuals affected with ANK3-related conditions. ClinVar contains an entry for this variant (Variation ID: 1506859). Advanced modeling of protein sequence and biophysical properties (such as structural, functional, and spatial information, amino acid conservation, physicochemical variation, residue mobility, and thermodynamic stability) performed at Invitae indicates that this missense variant is not expected to disrupt ANK3 protein function with a negative predictive value of 80%. In summary, the available evidence is currently insufficient to determine the role of this variant in disease. Therefore, it has been classified as a Variant of Uncertain Significance.

Revvity Omics, Revvity
Classification: Uncertain significance. Last evaluated: 2021-05-03. Review status: criteria provided, single submitter. Criteria: ACMG Guidelines, 2015. Collection method: clinical testing. Allele origin: germline.